The following is an entry in ClinVar:

NM_000435.3(NOTCH3):c.2002G>A (p.Glu668Lys)

Gene: NOTCH3 (notch receptor 3; minus strand). Cytogenetic location: 19p13.12.
Variant type: single nucleotide variant.
Coding change: c.2002G>A on transcript NM_000435.3 (MANE Select); coding-DNA position 2002, G replaced by A.
Protein change: p.Glu668Lys; replaces glutamic acid 668 with lysine.
Molecular consequence: missense variant.
Genome position (GRCh38, 1-based): chr19:15,185,629, C>T on the plus strand (G>A on the coding strand, the complement: NOTCH3 is on the minus strand). VCF-style: chr19-15185629-C-T. GRCh37 (hg19) VCF-style: chr19-15296440-C-T.
Other names: p.Glu668Lys; short protein forms E668K.
Identifiers: ClinVar variation 4684324 (VCV004684324.1).
Genomic context (GRCh38, chr19:15,185,629, plus strand): 5'-AGGAGCCAGGCGGGCAGAGGCAGCGGAAGCCATTTTCCCCATCCACACAGGAACCTCCCT[C>T]GCCGCATGGGCTGGAAGCACACTCATTGATCTCCACGTTACAAAGGGGCCCTGGGGAGTA-3'
Protein context (NP_000426.2, residues 658-678): INECASSPCG[Glu668Lys]GGSCVDGENG

ClinVar aggregate classification (germline): Likely benign (1 of 4 stars; one submission).

gnomAD v4.1: 17 of 1,613,502 alleles (0.0011%); highest among the groups gnomAD compares: Non-Finnish European, 0.0014%; no homozygotes.

Submission:

Mayo Clinic Laboratories, Mayo Clinic
Classification: Likely benign. Last evaluated: 2025-06-26. Review status: criteria provided, single submitter. Criteria: ACMG Guidelines, 2015. Collection method: clinical testing. Allele origin: germline. Observed: 1 variant allele.
Comment: BS2, BP1, BP4